The following is an entry in ClinVar:

ClinVar aggregate classification (germline): Benign/Likely benign. Review status: criteria provided, multiple submitters, no conflicts (2 of 4 stars). 5 submissions from 5 submitters: Benign (2); Likely benign (2). 1 of the submissions does not count toward it. Last evaluated 2026-08-01.

Conditions:
TBX2-related disorder. Also called: TBX2-related condition.

Allele frequency attached by ClinVar (database versions not stated): 1000 Genomes Project 30x 0.00016; 1000 Genomes Project 0.00020; ESP Exome Variant Server 0.00100; gnomAD 0.00110 and 0.00112; ExAC 0.00116; gnomAD exomes 0.00125; TOPMed 0.00136.
gnomAD v4.1: 1,825 of 1,613,416 alleles (0.11%); highest among the groups gnomAD compares: Middle Eastern, 0.58%; 2 homozygotes.

Submissions (5):

CeGaT Center for Human Genetics Tuebingen
Classification: Likely benign. Last evaluated: 2026-08-01. Review status: criteria provided, single submitter. Criteria: CeGaT Center For Human Genetics Tuebingen Variant Classification Criteria Version 2. Collection method: clinical testing. Allele origin: germline. Affected: yes. Observed: 3 variant alleles.
Comment: TBX2: BP4, BS1

Blueprint Genetics
Classification: Likely benign. Last evaluated: 2024-10-17. Review status: criteria provided, single submitter. Criteria: ACMG Guidelines, 2015. Collection method: clinical testing. Allele origin: germline.

Labcorp Genetics (formerly Invitae), Labcorp
Classification: Benign. Last evaluated: 2019-12-31. Review status: criteria provided, single submitter. Criteria: Invitae Variant Classification Sherloc (09022015). Collection method: clinical testing. Allele origin: germline.

Breakthrough Genomics
Classification: Benign. Review status: criteria provided, single submitter. Criteria: ACMG Guidelines, 2015. Collection method: not provided. Allele origin: germline. Inheritance: Autosomal dominant inheritance. Affected: yes.

PreventionGenetics, part of Exact Sciences
Classification: Benign for TBX2-related condition. Last evaluated: 2019-04-10. Review status: no assertion criteria provided. Collection method: clinical testing. Allele origin: germline. Not counted in ClinVar's aggregate classification.
Comment: This variant is classified as benign based on ACMG/AMP sequence variant interpretation guidelines (Richards et al. 2015 PMID: 25741868, with internal and published modifications).

NM_005994.4(TBX2):c.789C>T (p.Val263=)

Gene: TBX2 (T-box transcription factor 2; plus strand). Cytogenetic location: 17q23.2.
Variant type: single nucleotide variant.
Coding change: c.789C>T on transcript NM_005994.4 (MANE Select); coding-DNA position 789, C replaced by T.
Protein change: p.Val263=; no amino-acid change (valine 263 retained).
Molecular consequence: synonymous variant.
Genome position (GRCh38, 1-based): chr17:61,403,186, C>T. VCF-style: chr17-61403186-C-T. GRCh37 (hg19) VCF-style: chr17-59480547-C-T.
Identifiers: ClinVar variation 734746 (VCV000734746.15), dbSNP rs140013823, ClinGen allele CA8689183.